The following is an entry in ClinVar:

ClinVar aggregate classification (germline): Conflicting classifications of pathogenicity. Review status: criteria provided, conflicting classifications (1 of 4 stars). 3 submissions from 3 submitters: Uncertain significance (2); Benign (1). Last evaluated 2025-10-05.

Conditions:
Hereditary cancer-predisposing syndrome. Also called: Hereditary neoplastic syndrome; Neoplastic Syndromes, Hereditary; Tumor predisposition; Hereditary Cancer Syndrome. Identifiers: Orphanet 140162, MedGen C0027672, MeSH D009386, MONDO:0015356.
Hereditary breast ovarian cancer syndrome. Also called: Hereditary breast and ovarian cancer syndrome (HBOC); Breast and ovarian cancer; Hereditary breast and/or ovarian cancer syndrome; BRCA1- and BRCA2-Associated Hereditary Breast and Ovarian Cancer; Hereditary breast and ovarian cancer syndrome; Hereditary breast and ovarian cancer. Identifiers: Orphanet 145, MedGen C0677776, MeSH D061325, MONDO:0003582. Disease mechanism: loss of function.

Allele frequency attached by ClinVar (database versions not stated): TOPMed below 0.00001.

Submissions (3):

Labcorp Genetics (formerly Invitae), Labcorp
Classification: Uncertain significance for Hereditary breast ovarian cancer syndrome. Last evaluated: 2025-10-05. Review status: criteria provided, single submitter. Criteria: Invitae Variant Classification Sherloc (09022015). Collection method: clinical testing. Allele origin: germline.
Comment: This sequence change replaces glutamine, which is neutral and polar, with histidine, which is basic and polar, at codon 2530 of the BRCA2 protein (p.Gln2530His). This variant is not present in population databases (gnomAD no frequency). This variant has not been reported in the literature in individuals affected with BRCA2-related conditions. ClinVar contains an entry for this variant (Variation ID: 185753). Invitae Evidence Modeling of protein sequence and biophysical properties (such as structural, functional, and spatial information, amino acid conservation, physicochemical variation, residue mobility, and thermodynamic stability) indicates that this missense variant is not expected to disrupt BRCA2 protein function with a negative predictive value of 95%. In summary, the available evidence is currently insufficient to determine the role of this variant in disease. Therefore, it has been classified as a Variant of Uncertain Significance.

Ambry Genetics
Classification: Benign for Hereditary cancer-predisposing syndrome. Last evaluated: 2025-05-21. Review status: criteria provided, single submitter. Criteria: Ambry Variant Classification Scheme 2023. Collection method: clinical testing. Allele origin: germline.

Color Diagnostics, LLC DBA Color Health
Classification: Uncertain significance for Hereditary cancer-predisposing syndrome. Last evaluated: 2021-12-30. Review status: criteria provided, single submitter. Criteria: ACMG Guidelines, 2015. Collection method: clinical testing. Allele origin: germline.
Comment: This missense variant replaces glutamine with histidine at codon 2530 of the BRCA2 protein. Computational prediction suggests that this variant may not impact protein structure and function (internally defined REVEL score threshold <= 0.5, PMID: 27666373). To our knowledge, functional studies have not been reported for this variant. This variant has not been reported in individuals affected with hereditary cancer in the literature. This variant has not been identified in the general population by the Genome Aggregation Database (gnomAD). The available evidence is insufficient to determine the role of this variant in disease conclusively. Therefore, this variant is classified as a Variant of Uncertain Significance.

NM_000059.4(BRCA2):c.7590A>C (p.Gln2530His)

Gene: BRCA2 (BRCA2 DNA repair associated; plus strand). Cytogenetic location: 13q13.1.
Variant type: single nucleotide variant.
Coding change: c.7590A>C on transcript NM_000059.4 (MANE Select); coding-DNA position 7590, A replaced by C.
Protein change: p.Gln2530His; replaces glutamine 2530 with histidine.
Molecular consequence: missense variant.
Genome position (GRCh38, 1-based): chr13:32,356,582, A>C. VCF-style: chr13-32356582-A-C. GRCh37 (hg19) VCF-style: chr13-32930719-A-C.
Other names: short protein forms Q2530H.
Identifiers: ClinVar variation 185753 (VCV000185753.11), dbSNP rs786202429, ClinGen allele CA025165.